The following is an entry in ClinVar:

ClinVar aggregate classification (germline): Uncertain significance. Review status: criteria provided, multiple submitters, no conflicts (2 of 4 stars). 2 submissions from 2 submitters: Uncertain significance (2). Last evaluated 2025-05-13.

Conditions:
Regional enteritis. Also called: Enteritis, Granulomatous. Identifiers: MedGen C0678202, MeSH D003424.
Blau syndrome (BLAUS). Also called: GRANULOMATOSIS, FAMILIAL JUVENILE SYSTEMIC; GRANULOMATOSIS, FAMILIAL, BLAU TYPE; GRANULOMATOUS INFLAMMATORY ARTHRITIS, DERMATITIS, AND UVEITIS, FAMILIAL; JABS SYNDROME; ARTHROCUTANEOUVEAL GRANULOMATOSIS. Identifiers: Orphanet 90340, MedGen C5201146, MONDO:0008523, OMIM 186580.
Inborn genetic diseases. Identifiers: MedGen C0950123, MeSH D030342.

Allele frequency attached by ClinVar (database versions not stated): gnomAD 0.00002.
gnomAD v4.1: 4 of 1,614,094 alleles (0.00025%); highest among the groups gnomAD compares: African/African-American, 0.004%; no homozygotes.

Submissions (2):

Ambry Genetics
Classification: Uncertain significance for Inborn genetic diseases. Last evaluated: 2025-05-13. Review status: criteria provided, single submitter. Criteria: Ambry Variant Classification Scheme 2023. Collection method: clinical testing. Allele origin: germline.

Labcorp Genetics (formerly Invitae), Labcorp
Classification: Uncertain significance for Regional enteritis; Blau syndrome. Last evaluated: 2023-09-22. Review status: criteria provided, single submitter. Criteria: Invitae Variant Classification Sherloc (09022015). Collection method: clinical testing. Allele origin: germline.
Comment: In summary, the available evidence is currently insufficient to determine the role of this variant in disease. Therefore, it has been classified as a Variant of Uncertain Significance. Advanced modeling of protein sequence and biophysical properties (such as structural, functional, and spatial information, amino acid conservation, physicochemical variation, residue mobility, and thermodynamic stability) performed at Invitae indicates that this missense variant is not expected to disrupt NOD2 protein function. ClinVar contains an entry for this variant (Variation ID: 1923914). This variant has not been reported in the literature in individuals affected with NOD2-related conditions. This variant is not present in population databases (gnomAD no frequency). This sequence change replaces aspartic acid, which is acidic and polar, with asparagine, which is neutral and polar, at codon 250 of the NOD2 protein (p.Asp250Asn).

NM_001370466.1(NOD2):c.667G>A (p.Asp223Asn)

Gene: NOD2 (nucleotide binding oligomerization domain containing 2; plus strand). Cytogenetic location: 16q12.1.
Variant type: single nucleotide variant.
Coding change: c.667G>A on transcript NM_001370466.1 (MANE Select); coding-DNA position 667, G replaced by A.
Protein change: p.Asp223Asn; replaces aspartic acid 223 with asparagine.
Molecular consequence: missense variant. On other transcripts: non-coding transcript variant (1).
Genome position (GRCh38, 1-based): chr16:50,710,659, G>A. VCF-style: chr16-50710659-G-A. GRCh37 (hg19) VCF-style: chr16-50744570-G-A.
Other names: c.667G>A, p.Asp223Asn (NM_001293557.2); c.748G>A, p.Asp250Asn (NM_022162.3); short protein forms D250N, D223N.
Identifiers: ClinVar variation 1923914 (VCV001923914.6), dbSNP rs1964422521, ClinGen allele CA395867478.